The following is an entry in ClinVar:

NM_012472.6(DNAAF11):c.55_56del (p.Val19fs)

Gene: DNAAF11 (dynein axonemal assembly factor 11; minus strand). Cytogenetic location: 8q24.22.
Variant type: Microsatellite.
Coding change: c.55_56del on transcript NM_012472.6 (MANE Select); coding-DNA positions 55 to 56, 2 bases deleted (GT; older notation c.55_56delGT).
Protein change: p.Val19fs; shifts the reading frame from valine 19.
Molecular consequence: frameshift variant. On other transcripts: 5 prime UTR variant (4), non-coding transcript variant (7), intron variant (1).
Genome position (GRCh38, 1-based): chr8:132,661,582-132,661,583, AC deleted on the plus strand (GT on the coding strand, the reverse complement: DNAAF11 is on the minus strand); deleting any 2 consecutive bases within chr8:132,661,582-132,661,586 gives the same sequence; the c. name uses the placement nearest the transcript's 3' end. VCF-style (leftmost placement, unchanged base first): chr8-132661581-GAC-G. GRCh37 (hg19) VCF-style: chr8-133673827-GAC-G.
Other names: c.55_56del, p.Val19fs (NM_001321961.2); c.-308GT[1] (NM_001321963.2, NM_001321964.2, NM_001321966.2); c.-621GT[1] (NM_001321965.2); c.10+13901_10+13902del (NM_001321962.2); short protein forms V19fs.
Identifiers: ClinVar variation 2978634 (VCV002978634.5), dbSNP rs756029160, ClinGen allele CA4881478.

ClinVar aggregate classification (germline): Pathogenic/Likely pathogenic. Review status: criteria provided, multiple submitters, no conflicts (2 of 4 stars). 3 submissions from 3 submitters: Pathogenic (1); Likely pathogenic (2). Last evaluated 2026-04-01.

Conditions:
Primary ciliary dyskinesia 19. Also called: CILIARY DYSKINESIA, PRIMARY, 19, WITH OR WITHOUT SITUS INVERSUS. Identifiers: Orphanet 244, MedGen C3543826, MONDO:0013979, OMIM 614935.
LRRC6-related disorders.
Primary ciliary dyskinesia. Also called: Ciliary dyskinesia. Identifiers: Orphanet 244, MedGen C0008780, MONDO:0016575, HP:0012265.

Submissions (3):

Department of Human Genetics, Hannover Medical School
Classification: Likely pathogenic for Primary Ciliary Dyskinesia. Last evaluated: 2026-04-01. Review status: criteria provided, single submitter. Criteria: ACMG Guidelines, 2015. Collection method: research. Allele origin: germline. Affected: no.
Comment: Classification performed by HerediClassify using the following criteria:['PM2_supporting: Variant occures does not occur as homozygous in gnomAD.', 'PVS1_protein_strong: Transcript ENST00000620350 is not predicted to undergo NMD. Protein length change of 0.9184549356223176 observed.', "PP4_moderate: The modified PICADAR socre of 4.0 exceeds threshold of 3 achieving 'moderate' evidence strength."]

Labcorp Genetics (formerly Invitae), Labcorp
Classification: Pathogenic for Primary ciliary dyskinesia 19. Last evaluated: 2023-08-07. Review status: criteria provided, single submitter. Criteria: Invitae Variant Classification Sherloc (09022015). Collection method: clinical testing. Allele origin: germline.
Comment: This variant has not been reported in the literature in individuals affected with LRRC6-related conditions. For these reasons, this variant has been classified as Pathogenic. This variant is present in population databases (rs756029160, gnomAD 0.002%). This sequence change creates a premature translational stop signal (p.Val19Hisfs*21) in the LRRC6 gene. It is expected to result in an absent or disrupted protein product. Loss-of-function variants in LRRC6 are known to be pathogenic (PMID: 23122589).

Blueprint Genetics
Classification: Likely pathogenic for LRRC6-related disorders. Last evaluated: 2021-08-10. Review status: criteria provided, single submitter. Criteria: ACMG Guidelines, 2015. Collection method: clinical testing. Allele origin: germline. Affected: yes. Observed: 2 variant alleles.

Literature cited by the submitters: PubMed 23122589 (cited by Labcorp Genetics (formerly Invitae), Labcorp).